The following is an entry in ClinVar:

NM_001360016.2(G6PD):c.1288-2A>T

Gene: G6PD (glucose-6-phosphate dehydrogenase; minus strand). Cytogenetic location: Xq28.
Variant type: single nucleotide variant.
Coding change: c.1288-2A>T on transcript NM_001360016.2 (MANE Select); the canonical splice acceptor site of the intron before coding-DNA position 1288, A replaced by T.
Molecular consequence: splice acceptor variant.
Genome position (GRCh38, 1-based): chrX:154,532,464, T>A on the plus strand (A>T on the coding strand, the complement: G6PD is on the minus strand). VCF-style: chrX-154532464-T-A. GRCh37 (hg19) VCF-style: chrX-153760679-T-A.
Other names: c.1378-2A>T (NM_000402.4); c.1288-2A>T (NM_001042351.3).
Identifiers: ClinVar variation 1722685 (VCV001722685.2), dbSNP rs2070350038, ClinGen allele CA415233793.

ClinVar aggregate classification (germline): Pathogenic (1 of 4 stars; one submission).

Conditions:
Anemia, nonspherocytic hemolytic, due to G6PD deficiency (CNSHA1). Also called: Hemolytic anemia due to G6PD deficiency; Class I glucose-6-phosphate dehydrogenase deficiency; Favism, susceptibility to; ANEMIA, CONGENITAL, NONSPHEROCYTIC HEMOLYTIC, 1. Identifiers: Orphanet 466026, MedGen C2720289, MONDO:0010480, OMIM 300908.

Submission:

Dunham Lab, University of Washington
Classification: Pathogenic for Anemia, nonspherocytic hemolytic, due to G6PD deficiency. Last evaluated: 2022-08-12. Review status: criteria provided, single submitter. Criteria: Bayesian ACMG Guidelines, 2018. Collection method: curation. Allele origin: unknown. Affected: yes.
Comment: Decreased activity in red blood cells (5%) (PS3). Mutation of canonical AG 3' acceptor splice site (PVS1) leads to deletion of three amino acids (PM4). Not found in gnomAD (PM2). Post_P 0.99996 (odds of pathogenicity 255240, Prior_P 0.1).

Literature cited by the submitters: PubMed 32425388.